The following is an entry in ClinVar:

NM_152594.3(SPRED1):c.*3745A>G

Gene: SPRED1 (sprouty related EVH1 domain containing 1; plus strand). Cytogenetic location: 15q14.
Variant type: single nucleotide variant.
Coding change: c.*3745A>G on transcript NM_152594.3 (MANE Select); 3745 bases downstream of the stop codon, A replaced by G.
Molecular consequence: 3 prime UTR variant.
Genome position (GRCh38, 1-based): chr15:38,355,409, A>G. VCF-style: chr15-38355409-A-G. GRCh37 (hg19) VCF-style: chr15-38647610-A-G.
Identifiers: ClinVar variation 886268 (VCV000886268.28), dbSNP rs142928983, ClinGen allele CA269293837.

ClinVar aggregate classification (germline): Conflicting classifications of pathogenicity. Review status: criteria provided, conflicting classifications (1 of 4 stars). 2 submissions from 2 submitters: Uncertain significance (1); Benign (1). Last evaluated 2022-12-01.

Conditions:
Legius syndrome. Identifiers: Orphanet 137605, MedGen C1969623, MONDO:0012669, OMIM 611431. Disease mechanism: loss of function.

Allele frequency attached by ClinVar (database versions not stated): 1000 Genomes Project 30x 0.00031; 1000 Genomes Project 0.00040; TOPMed 0.00079; gnomAD 0.00080 and 0.00081.

Submissions (2):

CeGaT Center for Human Genetics Tuebingen
Classification: Benign. Last evaluated: 2022-12-01. Review status: criteria provided, single submitter. Criteria: CeGaT Center For Human Genetics Tuebingen Variant Classification Criteria Version 2. Collection method: clinical testing. Allele origin: germline. Affected: yes. Observed: 3 variant alleles.
Comment: SPRED1: BS1, BS2

Illumina Laboratory Services, Illumina
Classification: Uncertain significance for Legius syndrome. Last evaluated: 2018-01-13. Review status: criteria provided, single submitter. Criteria: ICSL Variant Classification Criteria 13 December 2019. Collection method: clinical testing. Allele origin: germline.